The following is an entry in ClinVar:

ClinVar aggregate classification (germline): Uncertain significance (1 of 4 stars; one submission).

Conditions:
Primary ciliary dyskinesia. Also called: Ciliary dyskinesia. Identifiers: Orphanet 244, MedGen C0008780, MONDO:0016575, HP:0012265.

gnomAD v4.1: 1 of 1,613,846 alleles (0.000062%); highest among the groups gnomAD compares: Non-Finnish European, 0.000085%; no homozygotes.

Submission:

Ambry Genetics
Classification: Uncertain significance for Primary ciliary dyskinesia. Last evaluated: 2025-11-04. Review status: criteria provided, single submitter. Criteria: Ambry Variant Classification Scheme 2023. Collection method: clinical testing. Allele origin: germline.
Comment: The p.G1385D variant (also known as c.4154G>A), located in coding exon 23 of the DNAH11 gene, results from a G to A substitution at nucleotide position 4154. The glycine at codon 1385 is replaced by aspartic acid, an amino acid with similar properties. This amino acid position is conserved. In addition, this alteration is predicted to be tolerated by in silico analysis. Based on the available evidence, the clinical significance of this variant remains unclear.

NM_001277115.2(DNAH11):c.4154G>A (p.Gly1385Asp)

Gene: DNAH11 (dynein axonemal heavy chain 11; plus strand). Cytogenetic location: 7p15.3.
Variant type: single nucleotide variant.
Coding change: c.4154G>A on transcript NM_001277115.2 (MANE Select); coding-DNA position 4154, G replaced by A.
Protein change: p.Gly1385Asp; replaces glycine 1385 with aspartic acid.
Molecular consequence: missense variant.
Genome position (GRCh38, 1-based): chr7:21,617,677, G>A. VCF-style: chr7-21617677-G-A. GRCh37 (hg19) VCF-style: chr7-21657295-G-A.
Other names: short protein forms G1385D.
Identifiers: ClinVar variation 4602169 (VCV004602169.1).